The following is an entry in ClinVar:

ClinVar aggregate classification (germline): Uncertain significance (1 of 4 stars; one submission).

Allele frequency attached by ClinVar (database versions not stated): gnomAD exomes below 0.00001; gnomAD 0.00001.
gnomAD v4.1: 2 of 1,613,882 alleles (0.00012%); highest among the groups gnomAD compares: South Asian, 0.0011%; no homozygotes.

Submission:

Labcorp Genetics (formerly Invitae), Labcorp
Classification: Uncertain significance. Last evaluated: 2022-08-20. Review status: criteria provided, single submitter. Criteria: Invitae Variant Classification Sherloc (09022015). Collection method: clinical testing. Allele origin: germline.
Comment: In summary, the available evidence is currently insufficient to determine the role of this variant in disease. Therefore, it has been classified as a Variant of Uncertain Significance. Algorithms developed to predict the effect of missense changes on protein structure and function (SIFT, PolyPhen-2, Align-GVGD) all suggest that this variant is likely to be disruptive. This variant has not been reported in the literature in individuals affected with FAT4-related conditions. This variant is not present in population databases (gnomAD no frequency). This sequence change replaces glycine, which is neutral and non-polar, with aspartic acid, which is acidic and polar, at codon 3339 of the FAT4 protein (p.Gly3339Asp).

NM_001291303.3(FAT4):c.10022G>A (p.Gly3341Asp)

Gene: FAT4 (FAT atypical cadherin 4; plus strand). Cytogenetic location: 4q28.1.
Variant type: single nucleotide variant.
Coding change: c.10022G>A on transcript NM_001291303.3 (MANE Select); coding-DNA position 10022, G replaced by A.
Protein change: p.Gly3341Asp; replaces glycine 3341 with aspartic acid.
Molecular consequence: missense variant.
Genome position (GRCh38, 1-based): chr4:125,451,032, G>A. VCF-style: chr4-125451032-G-A. GRCh37 (hg19) VCF-style: chr4-126372187-G-A.
Other names: c.10022G>A, p.Gly3341Asp (NM_001291285.3); c.10016G>A, p.Gly3339Asp (NM_024582.6); short protein forms G3339D, G3341D.
Identifiers: ClinVar variation 1717131 (VCV001717131.5), dbSNP rs1726045138, ClinGen allele CA358157002.
Genomic context (GRCh38, chr4:125,451,032, plus strand): 5'-AAGTGTTTGCTAGCGACCGTGATTTGGGCACTGATGGGGAGGTACACTATTTGATTTTTG[G>A]TAATAGTCGAAAGAAGGGTTTCCAGATCAATAAGAAGACTGGACAGATTTATGTTTCTGG-3'
Protein context (NP_001278232.1, residues 3331-3351): TDGEVHYLIF[Gly3341Asp]NSRKKGFQIN